The following is an entry in ClinVar:

ClinVar aggregate classification (germline): Uncertain significance. Review status: criteria provided, multiple submitters, no conflicts (2 of 4 stars). 3 submissions from 3 submitters: Uncertain significance (3). Last evaluated 2025-04-11.

Allele frequency attached by ClinVar (database versions not stated): 1000 Genomes Project 30x 0.00016.

Submissions (3):

Labcorp Genetics (formerly Invitae), Labcorp
Classification: Uncertain significance. Last evaluated: 2025-04-11. Review status: criteria provided, single submitter. Criteria: Invitae Variant Classification Sherloc (09022015). Collection method: clinical testing. Allele origin: germline.
Comment: This sequence change replaces arginine, which is basic and polar, with proline, which is neutral and non-polar, at codon 275 of the TNFRSF6B protein (p.Arg275Pro). This variant is present in population databases (rs566823245, gnomAD 0.02%). This variant has not been reported in the literature in individuals affected with TNFRSF6B-related conditions. ClinVar contains an entry for this variant (Variation ID: 2079271). An algorithm developed to predict the effect of missense changes on protein structure and function (PolyPhen-2) suggests that this variant is likely to be tolerated. In summary, the available evidence is currently insufficient to determine the role of this variant in disease. Therefore, it has been classified as a Variant of Uncertain Significance.

Ambry Genetics
Classification: Uncertain significance. Last evaluated: 2021-09-17. Review status: criteria provided, single submitter. Criteria: Ambry Variant Classification Scheme 2023. Collection method: clinical testing. Allele origin: germline.

Revvity Omics, Revvity
Classification: Uncertain significance. Last evaluated: 2021-07-07. Review status: criteria provided, single submitter. Criteria: ACMG Guidelines, 2015. Collection method: clinical testing. Allele origin: germline.

NM_003823.4(TNFRSF6B):c.824G>C (p.Arg275Pro)

Genes: RTEL1-TNFRSF6B (RTEL1-TNFRSF6B readthrough (NMD candidate); plus strand), TNFRSF6B (TNF receptor superfamily member 6b; plus strand). Cytogenetic location: 20q13.33.
Variant type: single nucleotide variant.
Coding change: c.824G>C on transcript NM_003823.4 (MANE Select); coding-DNA position 824, G replaced by C.
Protein change: p.Arg275Pro; replaces arginine 275 with proline.
Molecular consequence: missense variant. On other transcripts: non-coding transcript variant (1).
Genome position (GRCh38, 1-based): chr20:63,698,484, G>C. VCF-style: chr20-63698484-G-C. GRCh37 (hg19) VCF-style: chr20-62329837-G-C.
Other names: short protein forms R275P.
Identifiers: ClinVar variation 2079271 (VCV002079271.7), dbSNP rs566823245, ClinGen allele CA9966633.